The following is an entry in ClinVar:

ClinVar aggregate classification (germline): Conflicting classifications of pathogenicity. Review status: criteria provided, conflicting classifications (1 of 4 stars). 2 submissions from 2 submitters: Likely pathogenic (1); Uncertain significance (1). Last evaluated 2026-01-31.

Conditions:
Glycogen storage disease IXa1. Also called: GLYCOGEN STORAGE DISEASE VIII; GSD VIII; LIVER GLYCOGENOSIS, X-LINKED, TYPE I; Glycogen storage disease 8. Identifiers: Orphanet 264580, MedGen C3694531, MONDO:0010598, OMIM 306000.

Submissions (5):

GeneDx
Classification: Uncertain significance. Last evaluated: 2026-01-31. Review status: criteria provided, single submitter. Criteria: GeneDx Variant Classification Process June 2021. Collection method: clinical testing. Allele origin: germline. Affected: yes.
Comment: Not observed at significant frequency in large population cohorts (gnomAD); In silico analysis supports that this missense variant has a deleterious effect on protein structure/function; Has not been previously published as pathogenic or benign to our knowledge; This variant is associated with the following publications: (PMID: 31275557)

Mendelics
Classification: Likely pathogenic for Glycogen storage disease IXa1. Last evaluated: 2019-05-28. Review status: criteria provided, single submitter. Criteria: Mendelics Assertion Criteria 2017. Collection method: clinical testing. Allele origin: unknown.

Dr. Peter K. Rogan Lab, Western University
No classification provided (evidence only). Condition: Thyroid cancer, nonmedullary, 1. Review status: no classification provided. Collection method: in vitro. Allele origin: not applicable. Functional consequence: retained intron. Not counted in ClinVar's aggregate classification.

Dr. Peter K. Rogan Lab, Western University
No classification provided (evidence only). Condition: Thyroid cancer, nonmedullary, 1. Review status: no classification provided. Collection method: in vitro. Allele origin: not applicable. Functional consequence: retained intron. Not counted in ClinVar's aggregate classification.

Dr. Peter K. Rogan Lab, Western University
No classification provided (evidence only). Condition: Thyroid cancer, nonmedullary, 1. Review status: no classification provided. Collection method: in vitro. Allele origin: not applicable. Functional consequence: retained intron. Not counted in ClinVar's aggregate classification.

NM_000292.3(PHKA2):c.884G>T (p.Arg295Leu)

Gene: PHKA2 (phosphorylase kinase regulatory subunit alpha 2; minus strand). Cytogenetic location: Xp22.13.
Variant type: single nucleotide variant.
Coding change: c.884G>T on transcript NM_000292.3 (MANE Select); coding-DNA position 884, G replaced by T.
Protein change: p.Arg295Leu; replaces arginine 295 with leucine.
Molecular consequence: missense variant.
Genome position (GRCh38, 1-based): chrX:18,940,029, C>A on the plus strand (G>T on the coding strand, the complement: PHKA2 is on the minus strand). VCF-style: chrX-18940029-C-A. GRCh37 (hg19) VCF-style: chrX-18958147-C-A.
Other names: c.884G>T (NM_000292.2); short protein forms R295L.
Identifiers: ClinVar variation 803729 (VCV000803729.4), dbSNP rs797044877, ClinGen allele CA412397466.
Genomic context (GRCh38, chrX:18,940,029, plus strand): 5'-GATAAGAAACAATATTTAAATACAACCTCTCTTGGAGTTTTATAACCATCTCGAAGGAAG[C>A]GACAGCATCCATAACGCCCCTAATAAGAGAAAGTACATTCGATGAGCTCAGAGAAATTTT-3'
Protein context (NP_000283.1, residues 285-305): SKLQGRYGCC[Arg295Leu]FLRDGYKTPR